The following is an entry in ClinVar:

ClinVar aggregate classification (germline): Uncertain significance (1 of 4 stars; one submission).

Conditions:
SEMA3A-related disorder. Also called: SEMA3A-related condition.

Submission:

PreventionGenetics, part of Exact Sciences
Classification: Uncertain significance for SEMA3A-related condition. Last evaluated: 2025-05-21. Review status: criteria provided, single submitter. Criteria: ACMG Guidelines, 2015. Collection method: clinical testing. Allele origin: germline.
Comment: The SEMA3A c.1517C>G variant is predicted to result in the amino acid substitution p.Thr506Arg. To our knowledge, this variant has not been reported in the literature or in a large population database (gnomAD), indicating this variant is rare. At this time, the clinical significance of this variant is uncertain due to the absence of conclusive functional and genetic evidence.

NM_006080.3(SEMA3A):c.1517C>G (p.Thr506Arg)

Gene: SEMA3A (semaphorin 3A; minus strand). Cytogenetic location: 7q21.11.
Variant type: single nucleotide variant.
Coding change: c.1517C>G on transcript NM_006080.3 (MANE Select); coding-DNA position 1517, C replaced by G.
Protein change: p.Thr506Arg; replaces threonine 506 with arginine.
Molecular consequence: missense variant.
Genome position (GRCh38, 1-based): chr7:83,981,456, G>C on the plus strand (C>G on the coding strand, the complement: SEMA3A is on the minus strand). VCF-style: chr7-83981456-G-C. GRCh37 (hg19) VCF-style: chr7-83610772-G-C.
Other names: short protein forms T506R.
Identifiers: ClinVar variation 4999735 (VCV004999735.1).